The following is an entry in ClinVar:

ClinVar aggregate classification (germline): Uncertain significance (1 of 4 stars; one submission).

Submission:

Labcorp Genetics (formerly Invitae), Labcorp
Classification: Uncertain significance. Last evaluated: 2024-12-24. Review status: criteria provided, single submitter. Criteria: Invitae Variant Classification Sherloc (09022015). Collection method: clinical testing. Allele origin: germline.
Comment: This sequence change replaces histidine, which is basic and polar, with tyrosine, which is neutral and polar, at codon 29 of the NOG protein (p.His29Tyr). This variant is not present in population databases (gnomAD no frequency). This variant has not been reported in the literature in individuals affected with NOG-related conditions. An algorithm developed to predict the effect of missense changes on protein structure and function (PolyPhen-2) suggests that this variant is likely to be tolerated. In summary, the available evidence is currently insufficient to determine the role of this variant in disease. Therefore, it has been classified as a Variant of Uncertain Significance.

NM_005450.6(NOG):c.85C>T (p.His29Tyr)

Gene: NOG (noggin; plus strand). Cytogenetic location: 17q22.
Variant type: single nucleotide variant.
Coding change: c.85C>T on transcript NM_005450.6 (MANE Select); coding-DNA position 85, C replaced by T.
Protein change: p.His29Tyr; replaces histidine 29 with tyrosine.
Molecular consequence: missense variant.
Genome position (GRCh38, 1-based): chr17:56,594,308, C>T. VCF-style: chr17-56594308-C-T. GRCh37 (hg19) VCF-style: chr17-54671669-C-T.
Other names: short protein forms H29Y.
Identifiers: ClinVar variation 3728033 (VCV003728033.2).